The following is an entry in ClinVar:

NM_017780.4(CHD7):c.7250G>T (p.Arg2417Met)

Gene: CHD7 (chromodomain helicase DNA binding protein 7; plus strand). Cytogenetic location: 8q12.2.
Variant type: single nucleotide variant.
Coding change: c.7250G>T on transcript NM_017780.4 (MANE Select); coding-DNA position 7250, G replaced by T.
Protein change: p.Arg2417Met; replaces arginine 2417 with methionine.
Molecular consequence: missense variant. On other transcripts: intron variant (1).
Genome position (GRCh38, 1-based): chr8:60,856,530, G>T. VCF-style: chr8-60856530-G-T. GRCh37 (hg19) VCF-style: chr8-61769089-G-T.
Other names: c.1717-5699G>T (NM_001316690.1); short protein forms R2417M.
Identifiers: ClinVar variation 1915330 (VCV001915330.6), dbSNP rs776169011, ClinGen allele CA4760786.
Genomic context (GRCh38, chr8:60,856,530, plus strand): 5'-CTCGCCAGCGGAGGAGGAGGAGGAGAAAAATCGAAATTGAGGCCGAAAGAGCTGCCAAGA[G>T]GCGAAATCTCATGGAGATGGTTGCCCAGCTTCGAGAGTCTCAGGTGGTCTCAGAAAATGG-3'
Protein context (NP_060250.2, residues 2407-2427): IEIEAERAAK[Arg2417Met]RNLMEMVAQL

ClinVar aggregate classification (germline): Conflicting classifications of pathogenicity. Review status: criteria provided, conflicting classifications (1 of 4 stars). 2 submissions from 2 submitters: Uncertain significance (1); Benign (1). Last evaluated 2026-01-05.

Conditions:
CHARGE syndrome (CHARGE). Also called: Hittner Hirsch Kreh syndrome; CHARGE ASSOCIATION--COLOBOMA, HEART ANOMALY, CHOANAL ATRESIA, RETARDATION, GENITAL AND EAR ANOMALIES; Coloboma, heart anomaly, choanal atresia, retardation, genital and ear anomalies; CHARGE association; Hall-Hittner syndrome. Identifiers: Orphanet 138, MedGen C0265354, MONDO:0008965.

Allele frequency attached by ClinVar (database versions not stated): ExAC 0.00001; gnomAD 0.00001; TOPMed 0.00001.
gnomAD v4.1: 3 of 1,613,878 alleles (0.00019%); highest among the groups gnomAD compares: African/African-American, 0.004%; no homozygotes.

Submissions (2):

Labcorp Genetics (formerly Invitae), Labcorp
Classification: Benign for CHARGE syndrome. Last evaluated: 2026-01-05. Review status: criteria provided, single submitter. Criteria: Invitae Variant Classification Sherloc (09022015). Collection method: clinical testing. Allele origin: germline.

GeneDx
Classification: Uncertain significance. Last evaluated: 2023-06-26. Review status: criteria provided, single submitter. Criteria: GeneDx Variant Classification Process June 2021. Collection method: clinical testing. Allele origin: germline. Affected: yes.
Comment: Not observed at significant frequency in large population cohorts (gnomAD); In silico analysis supports that this missense variant does not alter protein structure/function; Has not been previously published as pathogenic or benign to our knowledge